The following is an entry in ClinVar:

ClinVar aggregate classification (germline): Benign (1 of 4 stars; one submission).

Conditions:
Hypercholesterolemia, familial, 4 (FHCL4). Also called: HYPERCHOLESTEROLEMIA, AUTOSOMAL RECESSIVE, 1; HYPERCHOLESTEROLEMIA, AUTOSOMAL RECESSIVE, 2. Identifiers: Orphanet 391665, MedGen C1863512, MONDO:0011374, OMIM 603813.

Allele frequency attached by ClinVar (database versions not stated): gnomAD 0.00275 and 0.00290; gnomAD exomes 0.00373; TOPMed 0.00526; 1000 Genomes Project 30x 0.00781; 1000 Genomes Project 0.00799.
gnomAD v4.1: 571 of 188,548 alleles (0.3%); highest among the groups gnomAD compares: Admixed American, 1.8%; 5 homozygotes.

Submission:

Illumina Laboratory Services, Illumina
Classification: Benign for Hypercholesterolemia, familial, 4. Last evaluated: 2018-01-12. Review status: criteria provided, single submitter. Criteria: ICSL Variant Classification Criteria 13 December 2019. Collection method: clinical testing. Allele origin: germline.
Comment: This variant was observed in the ICSL laboratory as part of a predisposition screen in an ostensibly healthy population. It had not been previously curated by ICSL or reported in the Human Gene Mutation Database (HGMD: prior to June 1st, 2018), and was therefore a candidate for classification through an automated scoring system. Utilizing variant allele frequency, disease prevalence and penetrance estimates, and inheritance mode, an automated score was calculated to assess if this variant is too frequent to cause the disease. Based on the score and internal cut-off values, a variant classified as benign is not then subjected to further curation. The score for this variant resulted in a classification of benign for this disease.

NM_015627.3(LDLRAP1):c.*596C>T

Gene: LDLRAP1 (low density lipoprotein receptor adaptor protein 1; plus strand). Cytogenetic location: 1p36.11.
Variant type: single nucleotide variant.
Coding change: c.*596C>T on transcript NM_015627.3 (MANE Select); 596 bases downstream of the stop codon, C replaced by T.
Molecular consequence: 3 prime UTR variant.
Genome position (GRCh38, 1-based): chr1:25,567,588, C>T. VCF-style: chr1-25567588-C-T. GRCh37 (hg19) VCF-style: chr1-25894079-C-T.
Identifiers: ClinVar variation 876168 (VCV000876168.4), dbSNP rs117614534, ClinGen allele CA19650509.
Genomic context (GRCh38, chr1:25,567,588, plus strand): 5'-GGGGGTTTGAGCCCTGGACCCCAGGCTCTTAGAGACTAAGGGGCAGCTCCTGACCAAAGA[C>T]GATACAGCTTGGCACTTTAAAGCATTAACAGCAGGTGTGACCCTGAGGGCTCCTCCATGG-3'